The following is an entry in ClinVar:

NM_177433.3(MAGED2):c.699G>C (p.Arg233=)

Gene: MAGED2 (MAGE family member D2; plus strand). Cytogenetic location: Xp11.21.
Variant type: single nucleotide variant.
Coding change: c.699G>C on transcript NM_177433.3 (MANE Select); coding-DNA position 699, G replaced by C.
Protein change: p.Arg233=; no amino-acid change (arginine 233 retained).
Molecular consequence: synonymous variant.
Genome position (GRCh38, 1-based): chrX:54,810,982, G>C. VCF-style: chrX-54810982-G-C. GRCh37 (hg19) VCF-style: chrX-54837415-G-C.
Other names: c.699G>C, p.Arg233= (NM_014599.6, NM_201222.3).
Identifiers: ClinVar variation 2660675 (VCV002660675.24), dbSNP rs2519304523, ClinGen allele CA516691943.
Genomic context (GRCh38, chrX:54,810,982, plus strand): 5'-GGCCCGCAGGGCTTCAAGGGGTCCCATAGCCTTTTGGGCCCGCAGGGCATCAAGGACTCG[G>C]TTGGCTGCTTGGGCCCGGAGAGCCTTGCTCTCCCTGAGATCACCTAAAGCCCGTAGGGGC-3'
Protein context (NP_803182.1, residues 223-243): AFWARRASRT[Arg233=]LAAWARRALL

ClinVar aggregate classification (germline): Likely benign (1 of 4 stars; one submission).

Allele frequency attached by ClinVar (database versions not stated): gnomAD exomes below 0.00001.
gnomAD v4.1: 1 of 1,203,423 alleles (0.000083%); highest among the groups gnomAD compares: Non-Finnish European, 0.00011%; no homozygotes.

Submission:

CeGaT Center for Human Genetics Tuebingen
Classification: Likely benign. Last evaluated: 2022-05-01. Review status: criteria provided, single submitter. Criteria: CeGaT Center For Human Genetics Tuebingen Variant Classification Criteria Version 2. Collection method: clinical testing. Allele origin: germline. Affected: yes. Observed: 1 variant allele.
Comment: MAGED2: PM2:Supporting, BP4, BP7